The following is an entry in ClinVar:

ClinVar aggregate classification (germline): Uncertain significance (1 of 4 stars; one submission).

Conditions:
Holoprosencephaly 4 (HPE4). Identifiers: Orphanet 2162, MedGen C1840528, MONDO:0007734, OMIM 142946.

Allele frequency attached by ClinVar (database versions not stated): gnomAD 0.00001.
gnomAD v4.1: 2 of 1,614,086 alleles (0.00012%); highest among the groups gnomAD compares: Non-Finnish European, 0.00017%; no homozygotes.

Submission:

Labcorp Genetics (formerly Invitae), Labcorp
Classification: Uncertain significance for Holoprosencephaly 4. Last evaluated: 2023-10-05. Review status: criteria provided, single submitter. Criteria: Invitae Variant Classification Sherloc (09022015). Collection method: clinical testing. Allele origin: germline.
Comment: This sequence change replaces histidine, which is basic and polar, with glutamine, which is neutral and polar, at codon 142 of the TGIF1 protein (p.His142Gln). This variant is present in population databases (no rsID available, gnomAD 0.007%). This variant has not been reported in the literature in individuals affected with TGIF1-related conditions. Advanced modeling of protein sequence and biophysical properties (such as structural, functional, and spatial information, amino acid conservation, physicochemical variation, residue mobility, and thermodynamic stability) performed at Invitae indicates that this missense variant is not expected to disrupt TGIF1 protein function. In summary, the available evidence is currently insufficient to determine the role of this variant in disease. Therefore, it has been classified as a Variant of Uncertain Significance.

NM_003244.4(TGIF1):c.426T>A (p.His142Gln)

Gene: TGIF1 (TGFB induced factor homeobox 1; plus strand). Cytogenetic location: 18p11.31.
Variant type: single nucleotide variant.
Coding change: c.426T>A on transcript NM_003244.4 (MANE Select); coding-DNA position 426, T replaced by A.
Protein change: p.His142Gln; replaces histidine 142 with glutamine.
Molecular consequence: missense variant.
Genome position (GRCh38, 1-based): chr18:3,457,547, T>A. VCF-style: chr18-3457547-T-A. GRCh37 (hg19) VCF-style: chr18-3457545-T-A.
Other names: c.435T>A, p.His145Gln (NM_001278682.2); c.426T>A, p.His142Gln (NM_001278684.2, NM_173208.3); c.366T>A, p.His122Gln (NM_001278686.3, NM_001374396.1, NM_001374397.1 and 5 more transcripts); c.468T>A, p.His156Gln (NM_173207.4); short protein forms H122Q, H145Q, H156Q, H142Q.
Identifiers: ClinVar variation 2891575 (VCV002891575.3), dbSNP rs948759075, ClinGen allele CA401723503.